The following is an entry in ClinVar:

NM_001130438.3(SPTAN1):c.2679G>C (p.Gln893His)

Gene: SPTAN1 (spectrin alpha, non-erythrocytic 1; plus strand). Cytogenetic location: 9q34.11.
Variant type: single nucleotide variant.
Coding change: c.2679G>C on transcript NM_001130438.3 (MANE Select); coding-DNA position 2679, G replaced by C.
Protein change: p.Gln893His; replaces glutamine 893 with histidine.
Molecular consequence: missense variant.
Genome position (GRCh38, 1-based): chr9:128,585,866, G>C. VCF-style: chr9-128585866-G-C. GRCh37 (hg19) VCF-style: chr9-131348145-G-C.
Other names: c.2679G>C, p.Gln893His (NM_001375310.1, NM_001375311.2, NM_001375313.1 and 5 more transcripts); c.2715G>C, p.Gln905His (NM_001375312.2, NM_001375318.1); short protein forms Q893H, Q905H.
Identifiers: ClinVar variation 1719719 (VCV001719719.5), dbSNP rs2541240745, ClinGen allele CA375058299.

ClinVar aggregate classification (germline): Uncertain significance (1 of 4 stars; one submission).

Conditions:
Early-infantile DEE. Also called: Early infantile epileptic encephalopathy with suppression bursts; Early infantile epileptic encephalopathy; Ohtahara syndrome. Identifiers: Orphanet 1934, MedGen C0393706, MONDO:0800491.

Submission:

Labcorp Genetics (formerly Invitae), Labcorp
Classification: Uncertain significance for Early-infantile DEE. Last evaluated: 2022-09-18. Review status: criteria provided, single submitter. Criteria: Invitae Variant Classification Sherloc (09022015). Collection method: clinical testing. Allele origin: germline.
Comment: In summary, the available evidence is currently insufficient to determine the role of this variant in disease. Therefore, it has been classified as a Variant of Uncertain Significance. Algorithms developed to predict the effect of missense changes on protein structure and function (SIFT, PolyPhen-2, Align-GVGD) all suggest that this variant is likely to be tolerated. This variant has not been reported in the literature in individuals affected with SPTAN1-related conditions. This variant is not present in population databases (gnomAD no frequency). This sequence change replaces glutamine, which is neutral and polar, with histidine, which is basic and polar, at codon 893 of the SPTAN1 protein (p.Gln893His).